The following is an entry in ClinVar:

NM_205850.3(SLC24A5):c.489+2T>C

Gene: SLC24A5 (solute carrier family 24 member 5; plus strand). Cytogenetic location: 15q21.1.
Variant type: single nucleotide variant.
Coding change: c.489+2T>C on transcript NM_205850.3 (MANE Select); the canonical splice donor site of the intron after coding-DNA position 489, T replaced by C.
Molecular consequence: splice donor variant.
Genome position (GRCh38, 1-based): chr15:48,134,540, T>C. VCF-style: chr15-48134540-T-C. GRCh37 (hg19) VCF-style: chr15-48426737-T-C.
Identifiers: ClinVar variation 2069572 (VCV002069572.4), dbSNP rs2504595149, ClinGen allele CA392450417.
Genomic context (GRCh38, chr15:48,134,540, plus strand): 5'-GATCTGCAATTTATAATCTCCTTGGCATCTGTGCTGCCTGTGGTTTGCTATCTAATACGG[T>C]ATGTAACAAAACCATTCAACAAAATGTATTGTCTTAAAAAATTCTAAAGATAACTGTTCG-3'

ClinVar aggregate classification (germline): Likely pathogenic (1 of 4 stars; one submission).

Submission:

Labcorp Genetics (formerly Invitae), Labcorp
Classification: Likely pathogenic. Last evaluated: 2022-01-02. Review status: criteria provided, single submitter. Criteria: Invitae Variant Classification Sherloc (09022015). Collection method: clinical testing. Allele origin: germline.
Comment: This sequence change affects a donor splice site in intron 4 of the SLC24A5 gene. It is expected to disrupt RNA splicing. Variants that disrupt the donor or acceptor splice site typically lead to a loss of protein function (PMID: 16199547), and loss-of-function variants in SLC24A5 are known to be pathogenic (PMID: 23985994, 26686029). This variant is not present in population databases (gnomAD no frequency). This variant has not been reported in the literature in individuals affected with SLC24A5-related conditions. Algorithms developed to predict the effect of sequence changes on RNA splicing suggest that this variant may disrupt the consensus splice site. In summary, the currently available evidence indicates that the variant is pathogenic, but additional data are needed to prove that conclusively. Therefore, this variant has been classified as Likely Pathogenic.

Literature cited by the submitters: PubMed 16199547; PubMed 23985994; PubMed 26686029.